The following is an entry in ClinVar:

ClinVar aggregate classification (germline): Uncertain significance (1 of 4 stars; one submission).

Conditions:
TCOF1-related disorder. Also called: TCOF1-related condition.

gnomAD v4.1: 2 of 1,614,130 alleles (0.00012%); highest among the groups gnomAD compares: Non-Finnish European, 0.00017%; no homozygotes.

Submission:

PreventionGenetics, part of Exact Sciences
Classification: Uncertain significance for TCOF1-related condition. Last evaluated: 2026-05-13. Review status: criteria provided, single submitter. Criteria: ACMG Guidelines, 2015. Collection method: clinical testing. Allele origin: germline.
Comment: The TCOF1 c.1774G>A variant is predicted to result in the amino acid substitution p.Ala592Thr. To our knowledge, this variant has not been reported in the literature or in a large population database (gnomAD), indicating this variant is rare. At this time, the clinical significance of this variant is uncertain due to the absence of conclusive functional and genetic evidence.

NM_001371623.1(TCOF1):c.1774G>A (p.Ala592Thr)

Gene: TCOF1 (treacle ribosome biogenesis factor 1; plus strand). Cytogenetic location: 5q32.
Variant type: single nucleotide variant.
Coding change: c.1774G>A on transcript NM_001371623.1 (MANE Select); coding-DNA position 1774, G replaced by A.
Protein change: p.Ala592Thr; replaces alanine 592 with threonine.
Molecular consequence: missense variant.
Genome position (GRCh38, 1-based): chr5:150,375,790, G>A. VCF-style: chr5-150375790-G-A. GRCh37 (hg19) VCF-style: chr5-149755353-G-A.
Other names: c.1543G>A, p.Ala515Thr (NM_000356.4, NM_001135245.2, NM_001437406.1); c.1774G>A, p.Ala592Thr (NM_001008657.3, NM_001135243.2, NM_001135244.2 and 1 more transcripts); short protein forms A515T, A592T.
Identifiers: ClinVar variation 4979662 (VCV004979662.1).